The following is an entry in ClinVar:

ClinVar aggregate classification (germline): Conflicting classifications of pathogenicity. Review status: criteria provided, conflicting classifications (1 of 4 stars). 5 submissions from 5 submitters: Uncertain significance (1); Likely benign (2). 2 of the submissions do not count toward it. Last evaluated 2025-11-14.

Conditions:
Hereditary breast ovarian cancer syndrome. Also called: Hereditary breast and ovarian cancer syndrome; Hereditary breast and ovarian cancer; Hereditary breast and ovarian cancer syndrome (HBOC); Breast and ovarian cancer; Hereditary breast and/or ovarian cancer syndrome; BRCA1- and BRCA2-Associated Hereditary Breast and Ovarian Cancer. Identifiers: Orphanet 145, MedGen C0677776, MeSH D061325, MONDO:0003582. Disease mechanism: loss of function.
Hereditary cancer-predisposing syndrome. Also called: Neoplastic Syndromes, Hereditary; Tumor predisposition; Hereditary Cancer Syndrome; Hereditary neoplastic syndrome. Identifiers: Orphanet 140162, MedGen C0027672, MeSH D009386, MONDO:0015356.
Breast-ovarian cancer, familial, susceptibility to, 2 (BROVCA2). Also called: BRCA2 Hereditary Breast and Ovarian Cancer. Identifiers: Orphanet 145, MedGen C2675520, MONDO:0012933, OMIM 612555. Disease mechanism: loss of function.

Allele frequency attached by ClinVar (database versions not stated): gnomAD exomes below 0.00001.
gnomAD v4.1: 1 of 1,611,154 alleles (0.000062%); highest among the groups gnomAD compares: Non-Finnish European, 0.000085%; no homozygotes.

Submissions (5):

Ambry Genetics
Classification: Likely benign for Hereditary cancer-predisposing syndrome. Last evaluated: 2025-11-14. Review status: criteria provided, single submitter. Criteria: Ambry Variant Classification Scheme 2023. Collection method: clinical testing. Allele origin: germline.

Labcorp Genetics (formerly Invitae), Labcorp
Classification: Uncertain significance for Hereditary breast ovarian cancer syndrome. Last evaluated: 2025-06-02. Review status: criteria provided, single submitter. Criteria: Invitae Variant Classification Sherloc (09022015). Collection method: clinical testing. Allele origin: germline.
Comment: This sequence change replaces histidine, which is basic and polar, with leucine, which is neutral and non-polar, at codon 473 of the BRCA2 protein (p.His473Leu). This variant is not present in population databases (gnomAD no frequency). This missense change has been observed in individual(s) with clinical features of BRCA2-related conditions (PMID: 10923033). ClinVar contains an entry for this variant (Variation ID: 51122). Invitae Evidence Modeling of protein sequence and biophysical properties (such as structural, functional, and spatial information, amino acid conservation, physicochemical variation, residue mobility, and thermodynamic stability) indicates that this missense variant is not expected to disrupt BRCA2 protein function with a negative predictive value of 95%. In summary, the available evidence is currently insufficient to determine the role of this variant in disease. Therefore, it has been classified as a Variant of Uncertain Significance.

University of Washington Department of Laboratory Medicine, University of Washington
Classification: Likely benign for Hereditary cancer-predisposing syndrome. Last evaluated: 2023-03-23. Review status: criteria provided, single submitter. Criteria: Dines et al. (Genet Med. 2020). Collection method: curation. Allele origin: germline.
Comment: Missense variant in a coldspot region where missense variants are very unlikely to be pathogenic (PMID:31911673).

BRCA2 exon 10 coldspot. Reclassification based on statistical prior probability.

Counsyl
Classification: Uncertain significance for Breast-ovarian cancer, familial, susceptibility to, 2. Last evaluated: 2018-04-02. Review status: no assertion criteria provided. Collection method: clinical testing. Allele origin: unknown. Not counted in ClinVar's aggregate classification.

Breast Cancer Information Core (BIC) (BRCA2)
Classification: Uncertain significance for Breast-ovarian cancer, familial 2. Last evaluated: 1998-07-10. Review status: no assertion criteria provided. Collection method: clinical testing. Allele origin: germline. Affected: yes. Observed: 1 variant allele. Not counted in ClinVar's aggregate classification.

Literature cited by the submitters: PubMed 10923033 (cited by Labcorp Genetics (formerly Invitae), Labcorp).

NM_000059.4(BRCA2):c.1418A>T (p.His473Leu)

Gene: BRCA2 (BRCA2 DNA repair associated; plus strand). Cytogenetic location: 13q13.1.
Variant type: single nucleotide variant.
Coding change: c.1418A>T on transcript NM_000059.4 (MANE Select); coding-DNA position 1418, A replaced by T.
Protein change: p.His473Leu; replaces histidine 473 with leucine.
Molecular consequence: missense variant.
Genome position (GRCh38, 1-based): chr13:32,332,896, A>T. VCF-style: chr13-32332896-A-T. GRCh37 (hg19) VCF-style: chr13-32907033-A-T.
Other names: short protein forms H473L.
Identifiers: ClinVar variation 51122 (VCV000051122.19), dbSNP rs80358430, ClinGen allele CA011980.